The following is an entry in ClinVar:

NM_000238.4(KCNH2):c.1697G>C (p.Cys566Ser)

Gene: KCNH2 (potassium voltage-gated channel subfamily H member 2; minus strand). Cytogenetic location: 7q36.1.
Variant type: single nucleotide variant.
Coding change: c.1697G>C on transcript NM_000238.4 (MANE Select); coding-DNA position 1697, G replaced by C.
Protein change: p.Cys566Ser; replaces cysteine 566 with serine.
Molecular consequence: missense variant.
Genome position (GRCh38, 1-based): chr7:150,951,696, C>G on the plus strand (G>C on the coding strand, the complement: KCNH2 is on the minus strand). VCF-style: chr7-150951696-C-G. GRCh37 (hg19) VCF-style: chr7-150648784-C-G.
Other names: c.1697G>C (LRG_288t1); c.677G>C, p.Cys226Ser (NM_001204798.2, NM_172057.3); c.1409G>C, p.Cys470Ser (NM_001406753.1, NM_001406756.1); c.1520G>C, p.Cys507Ser (NM_001406755.1); c.1397G>C, p.Cys466Ser (NM_001406757.1); c.1697G>C, p.Cys566Ser (NM_172056.3); short protein forms C226S, C566S, C466S, C470S, C507S.
Identifiers: ClinVar variation 67238 (VCV000067238.7), dbSNP rs199472925, ClinGen allele CA005147.

ClinVar aggregate classification (germline): Uncertain significance. Review status: criteria provided, single submitter (1 of 4 stars). 2 submissions from 2 submitters: Uncertain significance (1). 1 of the submissions does not count toward it. Last evaluated 2024-05-28.

Conditions:
Familial long QT syndrome (RWS). Also called: Congenital long QT syndrome; Romano-Ward syndrome; VENTRICULAR FIBRILLATION WITH PROLONGED QT INTERVAL. Identifiers: Orphanet 768, MedGen C1141890, MONDO:0019171.
Long QT syndrome (LQTS). Identifiers: MedGen C0023976, MeSH D008133, MONDO:0002442. Disease mechanism: loss of function. Inheritance: Various modes of inheritance.

Submissions (2):

Labcorp Genetics (formerly Invitae), Labcorp
Classification: Uncertain significance for Long QT syndrome. Last evaluated: 2024-05-28. Review status: criteria provided, single submitter. Criteria: Invitae Variant Classification Sherloc (09022015). Collection method: clinical testing. Allele origin: germline.
Comment: This sequence change replaces cysteine, which is neutral and slightly polar, with serine, which is neutral and polar, at codon 566 of the KCNH2 protein (p.Cys566Ser). This variant is not present in population databases (gnomAD no frequency). This missense change has been observed in individual(s) with long QT syndrome (PMID: 16414944, 31737537; Invitae). ClinVar contains an entry for this variant (Variation ID: 67238). An algorithm developed to predict the effect of missense changes on protein structure and function (PolyPhen-2) suggests that this variant is likely to be disruptive. Experimental studies have shown that this missense change affects KCNH2 function (PMID: 25417810). This variant disrupts the p.Cys566 amino acid residue in KCNH2. Other variant(s) that disrupt this residue have been observed in individuals with KCNH2-related conditions (PMID: 18441445), which suggests that this may be a clinically significant amino acid residue. In summary, the available evidence is currently insufficient to determine the role of this variant in disease. Therefore, it has been classified as a Variant of Uncertain Significance.

Cardiovascular Biomedical Research Unit, Royal Brompton & Harefield NHS Foundation Trust
No classification provided. Condition: Familial long QT syndrome. Review status: no classification provided. Collection method: literature only. Allele origin: germline. Not counted in ClinVar's aggregate classification.
Comment: This variant has been reported as associated with Long QT syndrome in the following publications (PMID:16414944). This is a literature report, and does not necessarily reflect the clinical interpretation of the Imperial College / Royal Brompton Cardiovascular Genetics laboratory.

Literature cited by the submitters: PubMed 16414944 (cited by Labcorp Genetics (formerly Invitae), Labcorp and Cardiovascular Biomedical Research Unit, Royal Brompton & Harefield NHS Foundation Trust); PubMed 31737537 (cited by Labcorp Genetics (formerly Invitae), Labcorp); PubMed 25417810 (cited by Labcorp Genetics (formerly Invitae), Labcorp); PubMed 18441445 (cited by Labcorp Genetics (formerly Invitae), Labcorp); PubMed 22581653 (cited by Cardiovascular Biomedical Research Unit, Royal Brompton & Harefield NHS Foundation Trust).